The following is an entry in ClinVar:

NM_153006.3(NAGS):c.246G>A (p.Pro82=)

Gene: NAGS (N-acetylglutamate synthase; plus strand). Cytogenetic location: 17q21.31.
Variant type: single nucleotide variant.
Coding change: c.246G>A on transcript NM_153006.3 (MANE Select); coding-DNA position 246, G replaced by A.
Protein change: p.Pro82=; no amino-acid change (proline 82 retained).
Molecular consequence: synonymous variant.
Genome position (GRCh38, 1-based): chr17:44,004,909, G>A. VCF-style: chr17-44004909-G-A. GRCh37 (hg19) VCF-style: chr17-42082277-G-A.
Identifiers: ClinVar variation 386611 (VCV000386611.16), dbSNP rs747154237, ClinGen allele CA8595112.

ClinVar aggregate classification (germline): Conflicting classifications of pathogenicity. Review status: criteria provided, conflicting classifications (1 of 4 stars). 3 submissions from 3 submitters: Uncertain significance (1); Likely benign (2). Last evaluated 2026-01-15.

Conditions:
Hyperammonemia, type III (NAGSD). Also called: Hyperammonemia due to N-acetylglutamate synthase deficiency. Identifiers: Orphanet 927, MedGen C0268543, MONDO:0009377, OMIM 237310.

Allele frequency attached by ClinVar (database versions not stated): gnomAD exomes 0.00019; TOPMed 0.00025; gnomAD 0.00032 and 0.00033; ExAC 0.00045.
gnomAD v4.1: 546 of 1,534,394 alleles (0.036%); highest among the groups gnomAD compares: Non-Finnish European, 0.038%; no homozygotes.

Submissions (3):

Labcorp Genetics (formerly Invitae), Labcorp
Classification: Likely benign for Hyperammonemia, type III. Last evaluated: 2026-01-15. Review status: criteria provided, single submitter. Criteria: Invitae Variant Classification Sherloc (09022015). Collection method: clinical testing. Allele origin: germline.

Illumina Laboratory Services, Illumina
Classification: Uncertain significance for Hyperammonemia, type III. Last evaluated: 2018-01-13. Review status: criteria provided, single submitter. Criteria: ICSL Variant Classification Criteria 13 December 2019. Collection method: clinical testing. Allele origin: germline.

GeneDx
Classification: Likely benign. Last evaluated: 2016-06-07. Review status: criteria provided, single submitter. Criteria: GeneDx Variant Classification (06012015). Collection method: clinical testing. Allele origin: germline. Affected: yes.
Comment: This variant is considered likely benign or benign based on one or more of the following criteria: it is a conservative change, it occurs at a poorly conserved position in the protein, it is predicted to be benign by multiple in silico algorithms, and/or has population frequency not consistent with disease.